The following is an entry in ClinVar:

NM_018003.4(UACA):c.2293A>C (p.Asn765His)

Gene: UACA (uveal autoantigen with coiled-coil domains and ankyrin repeats; minus strand). Cytogenetic location: 15q23.
Variant type: single nucleotide variant.
Coding change: c.2293A>C on transcript NM_018003.4 (MANE Select); coding-DNA position 2293, A replaced by C.
Protein change: p.Asn765His; replaces asparagine 765 with histidine.
Molecular consequence: missense variant.
Genome position (GRCh38, 1-based): chr15:70,668,391, T>G on the plus strand (A>C on the coding strand, the complement: UACA is on the minus strand). VCF-style: chr15-70668391-T-G. GRCh37 (hg19) VCF-style: chr15-70960730-T-G.
Other names: c.2254A>C, p.Asn752His (NM_001008224.3); short protein forms N752H, N765H.
Identifiers: ClinVar variation 787121 (VCV000787121.5), dbSNP rs115305380, ClinGen allele CA7637028.

ClinVar aggregate classification (germline): Benign. Review status: criteria provided, single submitter (1 of 4 stars). 2 submissions from 2 submitters: Benign (1). 1 of the submissions does not count toward it. Last evaluated 2018-04-04.

Conditions:
UACA-related disorder. Also called: UACA-related condition.

Allele frequency attached by ClinVar (database versions not stated): gnomAD exomes 0.00044 and 0.00110; ExAC 0.00137; ESP Exome Variant Server 0.00416; gnomAD 0.00448 and 0.00478; TOPMed 0.00499; 1000 Genomes Project 0.00539; 1000 Genomes Project 30x 0.00593.
gnomAD v4.1: 1,337 of 1,609,558 alleles (0.083%); highest among the groups gnomAD compares: African/African-American, 1.6%; 10 homozygotes.

Submissions (2):

Labcorp Genetics (formerly Invitae), Labcorp
Classification: Benign. Last evaluated: 2018-04-04. Review status: criteria provided, single submitter. Criteria: Invitae Variant Classification Sherloc (09022015). Collection method: clinical testing. Allele origin: germline.

PreventionGenetics, part of Exact Sciences
Classification: Benign for UACA-related condition. Last evaluated: 2019-06-05. Review status: no assertion criteria provided. Collection method: clinical testing. Allele origin: germline. Not counted in ClinVar's aggregate classification.
Comment: This variant is classified as benign based on ACMG/AMP sequence variant interpretation guidelines (Richards et al. 2015 PMID: 25741868, with internal and published modifications).